The following is an entry in ClinVar:

NM_000132.4(F8):c.5528C>T (p.Ala1843Val)

Gene: F8 (coagulation factor VIII; minus strand). Cytogenetic location: Xq28.
Variant type: single nucleotide variant.
Coding change: c.5528C>T on transcript NM_000132.4 (MANE Select); coding-DNA position 5528, C replaced by T.
Protein change: p.Ala1843Val; replaces alanine 1843 with valine.
Molecular consequence: missense variant.
Genome position (GRCh38, 1-based): chrX:154,904,869, G>A on the plus strand (C>T on the coding strand, the complement: F8 is on the minus strand). VCF-style: chrX-154904869-G-A. GRCh37 (hg19) VCF-style: chrX-154133144-G-A.
Other names: short protein forms A1843V.
Identifiers: ClinVar variation 3766587 (VCV003766587.1).

ClinVar aggregate classification (germline): Likely pathogenic (1 of 4 stars; one submission).

Submission:

ARUP Laboratories, Molecular Genetics and Genomics, ARUP Laboratories
Classification: Likely pathogenic. Last evaluated: 2024-04-23. Review status: criteria provided, single submitter. Criteria: ARUP Molecular Germline Variant Investigation Process 2024. Collection method: clinical testing. Allele origin: germline.
Comment: The F8 c.5528C>T; p.Ala1843Val variant, also known as Ala1824Val, is reported in the literature in an individuals affected with mild hemophilia A (Guillet 2006). This variant is absent from the Genome Aggregation Database (v2.1.1), indicating it is not a common polymorphism. Computational analyses predict that this variant is deleterious (REVEL: 0.898). Additionally, another variant at this codon (c.5527G>A, p.Ala1843Thr) has been reported in individuals with mild hemophilia A and is considered likely pathogenic (Fernandez-Lopez 2005, Markoff 2009, F8 database). Based on available information, this variant is considered to be likely pathogenic. References: Link to F8 database: Fernandez-Lopez O et al. The spectrum of mutations in Southern Spanish patients with hemophilia A and identification of 28 novel mutations. Haematologica. 2005 May;90(5):707-10. PMID: 15921397. Guillet B et al. Detection of 95 novel mutations in coagulation factor VIII gene F8 responsible for hemophilia A: results from a single institution. Hum Mutat. 2006 Jul;27(7):676-85. PMID: 16786531. Markoff A et al. Combined homology modelling and evolutionary significance evaluation of missense mutations in blood clotting factor VIII to highlight aspects of structure and function. Haemophilia. 2009 Jul;15(4):932-41. PMID: 19473423.